The following is an entry in ClinVar:

NM_181882.3(PRX):c.1860_2123dup (p.Val714_Cys715insProGluMetLysLeuProGluMetLysLeuProGluValLysLeuProLysValProGluMetAlaValProAspValHisLeuProGluValGlnLeuProLysValProGluMetLysLeuProLysMetProGluMetAlaValProGluValArgLeuProGluValGlnLeuProLysValSerGluMetLysLeuProLysValProGluMetAlaValProAspValHisLeuProGluValGlnLeuProLysVal)

Gene: PRX (periaxin; minus strand). Cytogenetic location: 19q13.2.
Variant type: Duplication.
Coding change: c.1860_2123dup on transcript NM_181882.3 (MANE Select); coding-DNA positions 1860 to 2123, 264 bases duplicated.
Protein change: p.Val714_Cys715insProGluMetLysLeuProGluMetLysLeuProGluValLysLeuProLysValProGluMetAlaValProAspValHisLeuProGluValGlnLeuProLysValProGluMetLysLeuProLysMetProGluMetAlaValProGluValArgLeuProGluValGlnLeuProLysValSerGluMetLysLeuProLysValProGluMetAlaValProAspValHisLeuProGluValGlnLeuProLysVal.
Molecular consequence: inframe insertion. On other transcripts: inframe indel (1), 3 prime UTR variant (1).
Genome position (GRCh38, 1-based): chr19:40,396,229-40,396,492, 264 bases duplicated. GRCh37 (hg19): chr19:40,902,165-40,902,428.
Other names: c.2116_2379dup, p.Val809_Cys810insProGluMetLysLeuProGluMetLysLeuProGluValLysLeuProLysValProGluMetAlaValProAspValHisLeuProGluValGlnLeuProLysValProGluMetLysLeuProLysMetProGluMetAlaValProGluValArgLeuProGluValGlnLeuProLysValSerGluMetLysLeuProLysValProGluMetAlaValProAspValHisLeuProGluValGlnLeuProLysVal (NM_001411127.1); c.*2065_*2328dup (NM_020956.2).
Identifiers: ClinVar variation 2133305 (VCV002133305.1), dbSNP rs2514804450, ClinGen allele CA2580097269.

ClinVar aggregate classification (germline): Uncertain significance (1 of 4 stars; one submission).

Conditions:
Charcot-Marie-Tooth disease type 4. Also called: Charcot-Marie-Tooth disease, type IV; Charcot-Marie-Tooth, Type 4. Identifiers: Orphanet 64749, MedGen C4082197, MONDO:0018995.

Submission:

Labcorp Genetics (formerly Invitae), Labcorp
Classification: Uncertain significance for Charcot-Marie-Tooth disease type 4. Last evaluated: 2022-05-03. Review status: criteria provided, single submitter. Criteria: Invitae Variant Classification Sherloc (09022015). Collection method: clinical testing. Allele origin: germline.
Comment: This variant, c.1860_2123dup, results in the insertion of 88 amino acid(s) of the PRX protein (p.Pro627_Val714dup), but otherwise preserves the integrity of the reading frame. This variant is not present in population databases (gnomAD no frequency). This variant has not been reported in the literature in individuals affected with PRX-related conditions. Experimental studies and prediction algorithms are not available or were not evaluated, and the functional significance of this variant is currently unknown. In summary, the available evidence is currently insufficient to determine the role of this variant in disease. Therefore, it has been classified as a Variant of Uncertain Significance.